The following is an entry in ClinVar:

ClinVar aggregate classification (germline): Conflicting classifications of pathogenicity. Review status: criteria provided, conflicting classifications (1 of 4 stars). 2 submissions from 2 submitters: Uncertain significance (1); Likely benign (1). Last evaluated 2023-08-24.

Conditions:
Catecholaminergic polymorphic ventricular tachycardia 1. Also called: RYR2-Related Catecholaminergic Polymorphic Ventricular Tachycardia; VENTRICULAR TACHYCARDIA, CATECHOLAMINERGIC POLYMORPHIC, 1, WITH OR WITHOUT ATRIAL DYSFUNCTION AND/OR DILATED CARDIOMYOPATHY; VENTRICULAR TACHYCARDIA, STRESS-INDUCED POLYMORPHIC 1. Identifiers: Orphanet 3286, MedGen C1631597, MONDO:0011484, OMIM 604772.
Cardiovascular phenotype. Identifiers: MedGen CN230736.

gnomAD v4.1: 9 of 1,525,082 alleles (0.00059%); highest among the groups gnomAD compares: African/African-American, 0.013%; no homozygotes.

Submissions (2):

Ambry Genetics
Classification: Likely benign for Cardiovascular phenotype. Last evaluated: 2023-08-24. Review status: criteria provided, single submitter. Criteria: Ambry Variant Classification Scheme 2023. Collection method: clinical testing. Allele origin: germline.

Labcorp Genetics (formerly Invitae), Labcorp
Classification: Uncertain significance for Catecholaminergic polymorphic ventricular tachycardia 1. Last evaluated: 2022-06-13. Review status: criteria provided, single submitter. Criteria: Invitae Variant Classification Sherloc (09022015). Collection method: clinical testing. Allele origin: germline.
Comment: This sequence change replaces aspartic acid, which is acidic and polar, with glutamic acid, which is acidic and polar, at codon 419 of the TRDN protein (p.Asp419Glu). This variant is not present in population databases (gnomAD no frequency). This variant has not been reported in the literature in individuals affected with TRDN-related conditions. ClinVar contains an entry for this variant (Variation ID: 1020540). Algorithms developed to predict the effect of missense changes on protein structure and function output the following: SIFT: "Tolerated"; PolyPhen-2: "Benign"; Align-GVGD: "Class C0". The glutamic acid amino acid residue is found in multiple mammalian species, which suggests that this missense change does not adversely affect protein function. In summary, the available evidence is currently insufficient to determine the role of this variant in disease. Therefore, it has been classified as a Variant of Uncertain Significance.

NM_006073.4(TRDN):c.1257C>G (p.Asp419Glu)

Gene: TRDN (triadin; minus strand). Cytogenetic location: 6q22.31.
Variant type: single nucleotide variant.
Coding change: c.1257C>G on transcript NM_006073.4 (MANE Select); coding-DNA position 1257, C replaced by G.
Protein change: p.Asp419Glu; replaces aspartic acid 419 with glutamic acid.
Molecular consequence: missense variant.
Genome position (GRCh38, 1-based): chr6:123,375,621, G>C on the plus strand (C>G on the coding strand, the complement: TRDN is on the minus strand). VCF-style: chr6-123375621-G-C. GRCh37 (hg19) VCF-style: chr6-123696766-G-C.
Other names: c.1257C>G (NM_006073.2); c.1260C>G, p.Asp420Glu (NM_001251987.2); short protein forms D419E, D420E.
Identifiers: ClinVar variation 1020540 (VCV001020540.8), dbSNP rs17737379, ClinGen allele CA3984032.